The following is an entry in ClinVar:

NM_014141.6(CNTNAP2):c.98-20T>G

Gene: CNTNAP2 (contactin associated protein 2; plus strand). Cytogenetic location: 7q35.
Variant type: single nucleotide variant.
Coding change: c.98-20T>G on transcript NM_014141.6 (MANE Select); 20 bases into the intron before coding-DNA position 98, T replaced by G.
Molecular consequence: intron variant.
Genome position (GRCh38, 1-based): chr7:146,774,251, T>G. VCF-style: chr7-146774251-T-G. GRCh37 (hg19) VCF-style: chr7-146471343-T-G.
Identifiers: ClinVar variation 379668 (VCV000379668.9), dbSNP rs199901768, ClinGen allele CA4545696.

ClinVar aggregate classification (germline): Likely benign. Review status: criteria provided, multiple submitters, no conflicts (2 of 4 stars). 2 submissions from 2 submitters: Likely benign (2). Last evaluated 2025-12-17.

Conditions:
Cortical dysplasia-focal epilepsy syndrome (PTHSL1). Also called: Pitt-Hopkins-like syndrome 1. Identifiers: Orphanet 163681, Orphanet 221150, MedGen C2750246, MONDO:0012400, OMIM 610042.

Allele frequency attached by ClinVar (database versions not stated): gnomAD 0.00013; ESP Exome Variant Server 0.00023.
gnomAD v4.1: 267 of 1,585,522 alleles (0.017%); highest among the groups gnomAD compares: Non-Finnish European, 0.022%; no homozygotes.

Submissions (2):

Labcorp Genetics (formerly Invitae), Labcorp
Classification: Likely benign for Cortical dysplasia-focal epilepsy syndrome. Last evaluated: 2025-12-17. Review status: criteria provided, single submitter. Criteria: Invitae Variant Classification Sherloc (09022015). Collection method: clinical testing. Allele origin: germline.

GeneDx
Classification: Likely benign. Last evaluated: 2017-10-27. Review status: criteria provided, single submitter. Criteria: GeneDx Variant Classification (06012015). Collection method: clinical testing. Allele origin: germline. Affected: yes.
Comment: This variant is considered likely benign or benign based on one or more of the following criteria: it is a conservative change, it occurs at a poorly conserved position in the protein, it is predicted to be benign by multiple in silico algorithms, and/or has population frequency not consistent with disease.